The following is an entry in ClinVar:

NM_001048174.2(MUTYH):c.1349A>T (p.Gln450Leu)

Gene: MUTYH (mutY DNA glycosylase; minus strand). Cytogenetic location: 1p34.1.
Variant type: single nucleotide variant.
Coding change: c.1349A>T on transcript NM_001048174.2 (MANE Select); coding-DNA position 1349, A replaced by T.
Protein change: p.Gln450Leu; replaces glutamine 450 with leucine.
Molecular consequence: missense variant. On other transcripts: non-coding transcript variant (2).
Genome position (GRCh38, 1-based): chr1:45,331,225, T>A on the plus strand (A>T on the coding strand, the complement: MUTYH is on the minus strand). VCF-style: chr1-45331225-T-A. GRCh37 (hg19) VCF-style: chr1-45796897-T-A.
Other names: c.1433A>T, p.Gln478Leu (NM_001128425.2); c.1394A>T, p.Gln465Leu (NM_001293190.2); c.1382A>T, p.Gln461Leu (NM_001293191.2, NM_001407069.1, NM_001407077.1); c.1073A>T, p.Gln358Leu (NM_001293192.2, NM_001293196.2, NM_001407091.1); c.1349A>T, p.Gln450Leu (NM_001293195.2, NM_001407088.1, NM_001407089.1 and 6 more transcripts); c.1004A>T, p.Gln335Leu (NM_001350650.2, NM_001350651.2, NM_001407082.1); c.1391A>T, p.Gln464Leu (NM_001407083.1, NM_001407085.1); c.1352A>T, p.Gln451Leu (NM_001407086.1, NM_001048172.2, NM_001407071.1 and 1 more transcripts); and 5 more; short protein forms Q335L, Q358L, Q422L, Q436L, Q437L, Q450L, Q451L, Q457L.
Identifiers: ClinVar variation 1718437 (VCV001718437.6), dbSNP rs774607582, ClinGen allele CA056389.

ClinVar aggregate classification (germline): Uncertain significance. Review status: criteria provided, multiple submitters, no conflicts (2 of 4 stars). 2 submissions from 2 submitters: Uncertain significance (2). Last evaluated 2025-08-27.

Conditions:
Familial adenomatous polyposis 2. Also called: MUTYH-associated polyposis; MUTYH-related attenuated familial adenomatous polyposis; FAP type 2; Adenomas, multiple colorectal; MYH-associated polyposis; MUTYH Polyposis. Identifiers: Orphanet 220460, Orphanet 247798, MedGen C3272841, MONDO:0012041, OMIM 608456.
Hereditary cancer-predisposing syndrome. Also called: Hereditary Cancer Syndrome; Hereditary neoplastic syndrome; Neoplastic Syndromes, Hereditary; Tumor predisposition. Identifiers: Orphanet 140162, MedGen C0027672, MeSH D009386, MONDO:0015356.

Allele frequency attached by ClinVar (database versions not stated): ExAC 0.00001.
gnomAD v4.1: 13 of 1,614,260 alleles (0.00081%); highest among the groups gnomAD compares: Non-Finnish European, 0.0011%; no homozygotes.

Submissions (2):

Ambry Genetics
Classification: Uncertain significance for Hereditary cancer-predisposing syndrome. Last evaluated: 2025-08-27. Review status: criteria provided, single submitter. Criteria: Ambry Variant Classification Scheme 2023. Collection method: clinical testing. Allele origin: germline.
Comment: The p.Q478L variant (also known as c.1433A>T), located in coding exon 14 of the MUTYH gene, results from an A to T substitution at nucleotide position 1433. The glutamine at codon 478 is replaced by leucine, an amino acid with dissimilar properties. This amino acid position is conserved. In addition, this alteration is predicted to be tolerated by in silico analysis. Based on the available evidence, the clinical significance of this variant remains unclear.

Labcorp Genetics (formerly Invitae), Labcorp
Classification: Uncertain significance for Familial adenomatous polyposis 2. Last evaluated: 2022-11-09. Review status: criteria provided, single submitter. Criteria: Invitae Variant Classification Sherloc (09022015). Collection method: clinical testing. Allele origin: germline.
Comment: This sequence change replaces glutamine, which is neutral and polar, with leucine, which is neutral and non-polar, at codon 478 of the MUTYH protein (p.Gln478Leu). This variant is present in population databases (rs774607582, gnomAD 0.0009%). This variant has not been reported in the literature in individuals affected with MUTYH-related conditions. Algorithms developed to predict the effect of missense changes on protein structure and function (SIFT, PolyPhen-2, Align-GVGD) all suggest that this variant is likely to be tolerated. In summary, the available evidence is currently insufficient to determine the role of this variant in disease. Therefore, it has been classified as a Variant of Uncertain Significance.